The following is an entry in ClinVar:

NM_004839.4(HOMER2):c.-185_5+25del

Gene: HOMER2 (homer scaffold protein 2; minus strand). Cytogenetic location: 15q25.2.
Variant type: Deletion.
Coding change: c.-185_5+25del on transcript NM_004839.4 (MANE Select); 185 bases upstream of the start codon through 25 bases into the intron after coding-DNA position 5, 215 bases deleted.
Molecular consequence: splice donor variant, genic upstream transcript variant, initiator codon variant.
Genome position (GRCh38, 1-based): chr15:82,952,506-82,952,720, 215 bases deleted. GRCh37 (hg19): chr15:83,621,259-83,621,473.
Other names: c.-185_5+25del (NM_199330.3).
Identifiers: ClinVar variation 4535081 (VCV004535081.6).

ClinVar aggregate classification (germline): Uncertain significance (1 of 4 stars; one submission).

Submission:

CeGaT Center for Human Genetics Tuebingen
Classification: Uncertain significance. Last evaluated: 2025-10-01. Review status: criteria provided, single submitter. Criteria: CeGaT Center For Human Genetics Tuebingen Variant Classification Criteria Version 2. Collection method: clinical testing. Allele origin: germline. Affected: yes. Observed: 1 variant allele.
Comment: HOMER2: PM2, PVS1:Supporting